The following is an entry in ClinVar:

ClinVar aggregate classification (germline): Uncertain significance (1 of 4 stars; one submission).

Allele frequency attached by ClinVar (database versions not stated): gnomAD exomes 0.00001; ExAC 0.00002; gnomAD 0.00002; TOPMed 0.00002.
gnomAD v4.1: 19 of 1,612,642 alleles (0.0012%); highest among the groups gnomAD compares: African/African-American, 0.0053%; no homozygotes.

Submission:

Labcorp Genetics (formerly Invitae), Labcorp
Classification: Uncertain significance. Last evaluated: 2023-11-14. Review status: criteria provided, single submitter. Criteria: Invitae Variant Classification Sherloc (09022015). Collection method: clinical testing. Allele origin: germline.
Comment: This sequence change replaces valine, which is neutral and non-polar, with isoleucine, which is neutral and non-polar, at codon 403 of the SI protein (p.Val403Ile). This variant is present in population databases (rs767250915, gnomAD 0.02%). This variant has not been reported in the literature in individuals affected with SI-related conditions. Advanced modeling of protein sequence and biophysical properties (such as structural, functional, and spatial information, amino acid conservation, physicochemical variation, residue mobility, and thermodynamic stability) has been performed at Invitae for this missense variant, however the output from this modeling did not meet the statistical confidence thresholds required to predict the impact of this variant on SI protein function. In summary, the available evidence is currently insufficient to determine the role of this variant in disease. Therefore, it has been classified as a Variant of Uncertain Significance.

NM_001041.4(SI):c.1207G>A (p.Val403Ile)

Gene: SI (sucrase-isomaltase; minus strand). Cytogenetic location: 3q26.1.
Variant type: single nucleotide variant.
Coding change: c.1207G>A on transcript NM_001041.4 (MANE Select); coding-DNA position 1207, G replaced by A.
Protein change: p.Val403Ile; replaces valine 403 with isoleucine.
Molecular consequence: missense variant.
Genome position (GRCh38, 1-based): chr3:165,059,239, C>T on the plus strand (G>A on the coding strand, the complement: SI is on the minus strand). VCF-style: chr3-165059239-C-T. GRCh37 (hg19) VCF-style: chr3-164777027-C-T.
Other names: short protein forms V403I.
Identifiers: ClinVar variation 2782812 (VCV002782812.1), dbSNP rs767250915, ClinGen allele CA2691145.